The following is an entry in ClinVar:

NM_002474.3(MYH11):c.1764G>A (p.Ala588=)

Gene: MYH11 (myosin heavy chain 11; minus strand). Cytogenetic location: 16p13.11.
Variant type: single nucleotide variant.
Coding change: c.1764G>A on transcript NM_002474.3 (MANE Select); coding-DNA position 1764, G replaced by A.
Protein change: p.Ala588=; no amino-acid change (alanine 588 retained).
Molecular consequence: synonymous variant.
Genome position (GRCh38, 1-based): chr16:15,753,494, C>T on the plus strand (G>A on the coding strand, the complement: MYH11 is on the minus strand). VCF-style: chr16-15753494-C-T. GRCh37 (hg19) VCF-style: chr16-15847351-C-T.
Other names: c.1785G>A, p.Ala595= (NM_001040113.2, NM_001040114.2); c.1764G>A, p.Ala588= (NM_022844.3).
Identifiers: ClinVar variation 547540 (VCV000547540.16), dbSNP rs375133214, ClinGen allele CA7922514.

ClinVar aggregate classification (germline): Likely benign. Review status: criteria provided, multiple submitters, no conflicts (2 of 4 stars). 7 submissions from 7 submitters: Likely benign (7). Last evaluated 2026-06-30.

Conditions:
Aortic aneurysm, familial thoracic 4 (AAT4). Also called: AORTIC ANEURYSM/AORTIC DISSECTION AND PATENT DUCTUS ARTERIOSUS. Identifiers: MedGen C1851504, MONDO:0007568, OMIM 132900.
Connective tissue disorder. Also called: Connective tissue disease. Identifiers: MedGen C0009782, MONDO:0003900.
Familial thoracic aortic aneurysm and aortic dissection (TAAD). Also called: Thoracic aortic aneurysms and dissections. Identifiers: Orphanet 91387, MedGen C4707243, MONDO:0019625.

Allele frequency attached by ClinVar (database versions not stated): TOPMed 0.00003; ESP Exome Variant Server 0.00008; gnomAD 0.00006.
gnomAD v4.1: 36 of 1,613,968 alleles (0.0022%); highest among the groups gnomAD compares: African/African-American, 0.008%; no homozygotes.

Submissions (7):

Women's Health and Genetics/Laboratory Corporation of America, LabCorp
Classification: Likely benign. Last evaluated: 2026-06-30. Review status: criteria provided, single submitter. Criteria: LabCorp Variant Classification Summary - May 2015. Collection method: clinical testing. Allele origin: germline.

Labcorp Genetics (formerly Invitae), Labcorp
Classification: Likely benign for Aortic aneurysm, familial thoracic 4. Last evaluated: 2025-07-29. Review status: criteria provided, single submitter. Criteria: Invitae Variant Classification Sherloc (09022015). Collection method: clinical testing. Allele origin: germline.

All of Us Research Program, National Institutes of Health
Classification: Likely benign for Familial thoracic aortic aneurysm and aortic dissection. Last evaluated: 2023-11-02. Review status: criteria provided, single submitter. Criteria: ACMG Guidelines, 2015. Collection method: clinical testing. Allele origin: germline. Inheritance: Autosomal dominant inheritance. Observed: 5 variant alleles, 5 heterozygotes.
Comment: This study involves interpretation of variants in research participants for the purpose of population health screening. Participant phenotype was not available at the time of variant classification. Additional details can be found in publication PMID: 35346344, PMCID: PMC8962531

Ambry Genetics
Classification: Likely benign for Familial thoracic aortic aneurysm and aortic dissection. Last evaluated: 2022-09-26. Review status: criteria provided, single submitter. Criteria: Ambry Variant Classification Scheme 2023. Collection method: clinical testing. Allele origin: germline.

GeneDx
Classification: Likely benign. Last evaluated: 2021-09-24. Review status: criteria provided, single submitter. Criteria: GeneDx Variant Classification Process June 2021. Collection method: clinical testing. Allele origin: germline. Affected: yes.
Comment: This variant is associated with the following publications: (PMID: 26582918)

Color Diagnostics, LLC DBA Color Health
Classification: Likely benign for Familial thoracic aortic aneurysm and aortic dissection. Last evaluated: 2018-08-12. Review status: criteria provided, single submitter. Criteria: ACMG Guidelines, 2015. Collection method: clinical testing. Allele origin: germline.

Center for Human Genetics, Inc
Classification: Likely benign for Connective tissue disorder. Last evaluated: 2016-11-01. Review status: criteria provided, single submitter. Criteria: ACMG Guidelines, 2015. Collection method: clinical testing. Allele origin: germline. Affected: yes.